The following is an entry in ClinVar:

NM_006015.6(ARID1A):c.609C>A (p.His203Gln)

Gene: ARID1A (AT-rich interaction domain 1A; plus strand). Cytogenetic location: 1p36.11.
Variant type: single nucleotide variant.
Coding change: c.609C>A on transcript NM_006015.6 (MANE Select); coding-DNA position 609, C replaced by A.
Protein change: p.His203Gln; replaces histidine 203 with glutamine.
Molecular consequence: missense variant.
Genome position (GRCh38, 1-based): chr1:26,697,012, C>A. VCF-style: chr1-26697012-C-A. GRCh37 (hg19) VCF-style: chr1-27023503-C-A.
Other names: c.609C>A, p.His203Gln (NM_139135.4); short protein forms H203Q.
Identifiers: ClinVar variation 2918821 (VCV002918821.3), dbSNP rs558792709, ClinGen allele CA706634.
Genomic context (GRCh38, chr1:26,697,012, plus strand): 5'-GCTGCAGAGCGGCGGCGGCGGGGGCCTGGAGCCCTACGCGGGGCCCCAGCAGAACTCTCA[C>A]GACCACGGCTTCCCCAACCACCAGTACAACTCCTACTACCCCAACCGCAGCGCCTACCCC-3'
Protein context (NP_006006.3, residues 193-213): EPYAGPQQNS[His203Gln]DHGFPNHQYN

ClinVar aggregate classification (germline): Uncertain significance (1 of 4 stars; one submission).

Allele frequency attached by ClinVar (database versions not stated): 1000 Genomes Project 0.00020; 1000 Genomes Project 30x 0.00016.

Submission:

Labcorp Genetics (formerly Invitae), Labcorp
Classification: Uncertain significance. Last evaluated: 2025-10-26. Review status: criteria provided, single submitter. Criteria: Invitae Variant Classification Sherloc (09022015). Collection method: clinical testing. Allele origin: germline.
Comment: This sequence change replaces histidine, which is basic and polar, with glutamine, which is neutral and polar, at codon 203 of the ARID1A protein (p.His203Gln). The frequency data for this variant in the population databases is considered unreliable, as metrics indicate poor data quality at this position in the gnomAD database. This variant has not been reported in the literature in individuals affected with ARID1A-related conditions. ClinVar contains an entry for this variant (Variation ID: 2918821). Invitae Evidence Modeling of protein sequence and biophysical properties (such as structural, functional, and spatial information, amino acid conservation, physicochemical variation, residue mobility, and thermodynamic stability) indicates that this missense variant is not expected to disrupt ARID1A protein function with a negative predictive value of 95%. In summary, the available evidence is currently insufficient to determine the role of this variant in disease. Therefore, it has been classified as a Variant of Uncertain Significance.